The following is an entry in ClinVar:

ClinVar aggregate classification (germline): Likely benign (1 of 4 stars; one submission).

Allele frequency attached by ClinVar (database versions not stated): ExAC 0.00008; gnomAD exomes 0.00009; TOPMed 0.00009; gnomAD 0.00011; 1000 Genomes Project 30x 0.00016; 1000 Genomes Project 0.00020; ESP Exome Variant Server 0.00031.
gnomAD v4.1: 151 of 1,612,884 alleles (0.0094%); highest among the groups gnomAD compares: Non-Finnish European, 0.01%; no homozygotes.

Submission:

CeGaT Center for Human Genetics Tuebingen
Classification: Likely benign. Last evaluated: 2022-10-01. Review status: criteria provided, single submitter. Criteria: CeGaT Center For Human Genetics Tuebingen Variant Classification Criteria Version 2. Collection method: clinical testing. Allele origin: germline. Affected: yes. Observed: 2 variant alleles.
Comment: GOLGA2: BP4, BP7

NM_001366244.2(GOLGA2):c.1671C>T (p.Asn557=)

Gene: GOLGA2 (golgin A2; minus strand). Cytogenetic location: 9q34.11.
Variant type: single nucleotide variant.
Coding change: c.1671C>T on transcript NM_001366244.2 (MANE Select); coding-DNA position 1671, C replaced by T.
Protein change: p.Asn557=; no amino-acid change (asparagine 557 retained).
Molecular consequence: synonymous variant.
Genome position (GRCh38, 1-based): chr9:128,260,552, G>A on the plus strand (C>T on the coding strand, the complement: GOLGA2 is on the minus strand). VCF-style: chr9-128260552-G-A. GRCh37 (hg19) VCF-style: chr9-131022831-G-A.
Other names: c.1590C>T, p.Asn530= (NM_001366246.2, NM_004486.6); c.1656C>T, p.Asn552= (NM_001389695.2); c.1653C>T, p.Asn551= (NM_001389696.2); c.1578C>T, p.Asn526= (NM_001389697.2); c.1572C>T, p.Asn524= (NM_001389698.2); c.1551C>T, p.Asn517= (NM_001389699.2, NM_001389700.2); c.1509C>T, p.Asn503= (NM_001389701.2); c.1485C>T, p.Asn495= (NM_001389702.2); and 3 more.
Identifiers: ClinVar variation 2659532 (VCV002659532.24), dbSNP rs144463156, ClinGen allele CA5259000.